The following is an entry in ClinVar:

NM_000135.4(FANCA):c.77T>A (p.Leu26Gln)

Genes: FANCA (FA complementation group A; minus strand), LOC112486223 (Sharpr-MPRA regulatory region 3988; plus strand). Cytogenetic location: 16q24.3.
Variant type: single nucleotide variant.
Coding change: c.77T>A on transcript NM_000135.4 (MANE Select); coding-DNA position 77, T replaced by A.
Protein change: p.Leu26Gln; replaces leucine 26 with glutamine.
Molecular consequence: missense variant.
Genome position (GRCh38, 1-based): chr16:89,816,539, A>T on the plus strand (T>A on the coding strand, the complement: FANCA is on the minus strand). VCF-style: chr16-89816539-A-T. GRCh37 (hg19) VCF-style: chr16-89882947-A-T.
Other names: c.77T>A, p.Leu26Gln (NM_001018112.3, NM_001286167.3, NM_001351830.2); short protein forms L26Q.
Identifiers: ClinVar variation 3848015 (VCV003848015.1).

ClinVar aggregate classification (germline): Uncertain significance (1 of 4 stars; one submission).

Conditions:
Inborn genetic diseases. Identifiers: MedGen C0950123, MeSH D030342.

Submission:

Ambry Genetics
Classification: Uncertain significance for Inborn genetic diseases. Last evaluated: 2024-12-12. Review status: criteria provided, single submitter. Criteria: Ambry Variant Classification Scheme 2023. Collection method: clinical testing. Allele origin: germline.
Comment: The p.L26Q variant (also known as c.77T>A), located in coding exon 1 of the FANCA gene, results from a T to A substitution at nucleotide position 77. The leucine at codon 26 is replaced by glutamine, an amino acid with dissimilar properties. This amino acid position is conserved. In addition, the in silico prediction for this alteration is inconclusive. Based on the available evidence, the clinical significance of this variant remains unclear.